The following is an entry in ClinVar:

ClinVar aggregate classification (germline): Benign/Likely benign. Review status: criteria provided, multiple submitters, no conflicts (2 of 4 stars). 6 submissions from 6 submitters: Benign (4); Likely benign (2). Last evaluated 2026-09-01.

Conditions:
Dystonia 24 (DYT24). Also called: DYT-ANO3. Identifiers: Orphanet 420485, MedGen C3554374, MONDO:0014019, OMIM 615034.
Dystonic disorder. Also called: Dystonia. Identifiers: MedGen C0013421, MONDO:0003441, HP:0001332.

Allele frequency attached by ClinVar (database versions not stated): 1000 Genomes Project 0.00559; 1000 Genomes Project 30x 0.00609; gnomAD 0.00742 and 0.00745; ExAC 0.00849; ESP Exome Variant Server 0.00861; gnomAD exomes 0.00873 and 0.00955; TOPMed 0.00879.
gnomAD v4.1: 15,245 of 1,613,220 alleles (0.95%); highest among the groups gnomAD compares: Middle Eastern, 3.7%; 122 homozygotes.

Submissions (6):

CeGaT Center for Human Genetics Tuebingen
Classification: Benign. Last evaluated: 2026-09-01. Review status: criteria provided, single submitter. Criteria: CeGaT Center For Human Genetics Tuebingen Variant Classification Criteria Version 2. Collection method: clinical testing. Allele origin: germline. Affected: yes. Observed: 26 variant alleles.
Comment: ANO3: BP4, BP7, BS1, BS2

Labcorp Genetics (formerly Invitae), Labcorp
Classification: Benign for Dystonic disorder. Last evaluated: 2026-02-02. Review status: criteria provided, single submitter. Criteria: Invitae Variant Classification Sherloc (09022015). Collection method: clinical testing. Allele origin: germline.

Mayo Clinic Laboratories, Mayo Clinic
Classification: Benign. Last evaluated: 2023-10-03. Review status: criteria provided, single submitter. Criteria: ACMG Guidelines, 2015. Collection method: clinical testing. Allele origin: germline. Observed: 15 variant alleles.
Comment: BS1, BS2, BP4, BP7

Genome-Nilou Lab
Classification: Benign for Dystonia 24. Last evaluated: 2021-12-05. Review status: criteria provided, single submitter. Criteria: ACMG Guidelines, 2015. Collection method: clinical testing. Allele origin: germline. Affected: no.

GeneDx
Classification: Likely benign. Last evaluated: 2021-06-09. Review status: criteria provided, single submitter. Criteria: GeneDx Variant Classification Process June 2021. Collection method: clinical testing. Allele origin: germline. Affected: yes.

Breakthrough Genomics
Classification: Likely benign. Review status: criteria provided, single submitter. Criteria: ACMG Guidelines, 2015. Collection method: not provided. Allele origin: germline. Inheritance: Autosomal dominant inheritance. Affected: yes.

NM_031418.4(ANO3):c.2811C>T (p.Asp937=)

Gene: ANO3 (anoctamin 3; plus strand). Cytogenetic location: 11p14.2.
Variant type: single nucleotide variant.
Coding change: c.2811C>T on transcript NM_031418.4 (MANE Select); coding-DNA position 2811, C replaced by T.
Protein change: p.Asp937=; no amino-acid change (aspartic acid 937 retained).
Molecular consequence: synonymous variant.
Genome position (GRCh38, 1-based): chr11:26,660,309, C>T. VCF-style: chr11-26660309-C-T. GRCh37 (hg19) VCF-style: chr11-26681856-C-T.
Other names: p.Asp937=; c.2994C>T, p.Asp998= (NM_001313726.2); c.2373C>T, p.Asp791= (NM_001313727.2).
Identifiers: ClinVar variation 412868 (VCV000412868.46), dbSNP rs117748217, ClinGen allele CA5926622.